The following is an entry in ClinVar:

NM_000341.4(SLC3A1):c.1A>G (p.Met1Val)

Gene: SLC3A1 (solute carrier family 3 member 1; plus strand). Cytogenetic location: 2p21.
Variant type: single nucleotide variant.
Coding change: c.1A>G on transcript NM_000341.4 (MANE Select); coding-DNA position 1, A replaced by G.
Protein change: p.Met1Val; changes the start codon (methionine 1).
Molecular consequence: missense variant, initiator codon variant.
Genome position (GRCh38, 1-based): chr2:44,275,536, A>G. VCF-style: chr2-44275536-A-G. GRCh37 (hg19) VCF-style: chr2-44502675-A-G.
Other names: short protein forms M1V.
Identifiers: ClinVar variation 2682565 (VCV002682565.1), dbSNP rs555353688, ClinGen allele CA1639984.

ClinVar aggregate classification (germline): Uncertain significance (1 of 4 stars; one submission).

Allele frequency attached by ClinVar (database versions not stated): gnomAD exomes below 0.00001; ExAC 0.00001; gnomAD 0.00001; 1000 Genomes Project 0.00020; 1000 Genomes Project 30x 0.00031.

Submission:

Women's Health and Genetics/Laboratory Corporation of America, LabCorp
Classification: Uncertain significance. Last evaluated: 2023-11-16. Review status: criteria provided, single submitter. Criteria: LabCorp Variant Classification Summary - May 2015. Collection method: clinical testing. Allele origin: germline.
Comment: Variant summary: SLC3A1 c.1A>G (p.Met1Val) alters the initiation codon and is predicted to result either in absence of the protein or truncation of the encoded protein due to translation initiation at a downstream codon. An alternative downstream in-frame start codon (Met13) is located in the encoded protein. An activation of this potential downstream translation initiation site would result in a shortened protein missing the first 12 amino acids from the protein sequence. To our knowledge no pathogenic variants have been reported upstream of this alternate codon. Two of three in-silico tools predict a damaging effect of the variant on protein function. The variant allele was found at a frequency of 4e-06 in 250766 control chromosomes (gnomAD). The available data on variant occurrences in the general population are insufficient to allow any conclusion about variant significance. To our knowledge, no occurrence of c.1A>G in individuals affected with Cystinuria and no experimental evidence demonstrating its impact on protein function have been reported. No submitters have cited clinical-significance assessments for this variant to ClinVar after 2014. Based on the evidence outlined above, the variant was classified as uncertain significance.